The following is an entry in ClinVar:

ClinVar aggregate classification (germline): Likely pathogenic (1 of 4 stars; one submission).

Submission:

CeGaT Center for Human Genetics Tuebingen
Classification: Likely pathogenic. Last evaluated: 2023-01-01. Review status: criteria provided, single submitter. Criteria: CeGaT Center For Human Genetics Tuebingen Variant Classification Criteria Version 2. Collection method: clinical testing. Allele origin: germline. Affected: yes. Observed: 1 variant allele.
Comment: NDUFB11: PVS1:Strong, PM2

NM_001135998.3(NDUFB11):c.34del (p.Arg12fs)

Gene: NDUFB11 (NADH:ubiquinone oxidoreductase subunit B11; minus strand). Cytogenetic location: Xp11.3.
Variant type: Deletion.
Coding change: c.34del on transcript NM_001135998.3 (MANE Select); coding-DNA position 34, one base deleted (C; older notation c.34delC).
Protein change: p.Arg12fs; shifts the reading frame from arginine 12.
Molecular consequence: frameshift variant.
Genome position (GRCh38, 1-based): chrX:47,144,646, G deleted on the plus strand (C on the coding strand, the reverse complement: NDUFB11 is on the minus strand); the first of 2 consecutive G bases (chrX:47,144,646-47,144,647); deleting either gives the same sequence. VCF-style (leftmost placement, unchanged base first): chrX-47144645-CG-C. GRCh37 (hg19) VCF-style: chrX-47004044-CG-C.
Other names: c.34del, p.Arg12fs (NM_019056.7); short protein forms R12fs.
Identifiers: ClinVar variation 2499133 (VCV002499133.28), dbSNP rs2520217968, ClinGen allele CA2580101013.
Genomic context (GRCh38, chrX:47,144,645, plus strand): 5'-CTAGATTCCCAGCGGACGCGGGCGGCCGGGAGCCCTCGCGTCGCCGCTGCCGCCAAAAGA[CG>C]GCGAGCGCTCAAACCAAACAGCCCAGCCGCCATGACAGATGGTGCTGCAGGGTCTCAGGG-3'